The following is an entry in ClinVar:

NM_005611.4(RBL2):c.332A>G (p.Tyr111Cys)

Gene: RBL2 (RB transcriptional corepressor like 2; plus strand). Cytogenetic location: 16q12.2.
Variant type: single nucleotide variant.
Coding change: c.332A>G on transcript NM_005611.4 (MANE Select); coding-DNA position 332, A replaced by G.
Protein change: p.Tyr111Cys; replaces tyrosine 111 with cysteine.
Molecular consequence: missense variant.
Genome position (GRCh38, 1-based): chr16:53,439,107, A>G. VCF-style: chr16-53439107-A-G. GRCh37 (hg19) VCF-style: chr16-53473019-A-G.
Other names: c.332A>G, p.Tyr111Cys (NM_001323608.2, NM_001323609.2, NM_001323610.2); c.110A>G, p.Tyr37Cys (NM_001323611.1); short protein forms Y111C, Y37C.
Identifiers: ClinVar variation 3313152 (VCV003313152.3).

ClinVar aggregate classification (germline): Uncertain significance. Review status: criteria provided, multiple submitters, no conflicts (2 of 4 stars). 2 submissions from 2 submitters: Uncertain significance (2). Last evaluated 2026-06-11.

gnomAD v4.1: 22 of 1,607,782 alleles (0.0014%); highest among the groups gnomAD compares: Admixed American, 0.0085%; no homozygotes.

Submissions (2):

GeneDx
Classification: Uncertain significance. Last evaluated: 2026-06-11. Review status: criteria provided, single submitter. Criteria: GeneDx Variant Classification Process June 2021. Collection method: clinical testing. Allele origin: germline.
Comment: In silico analysis suggests that this missense variant does not alter protein structure/function; Has not been previously published as pathogenic or benign to our knowledge

Ambry Genetics
Classification: Uncertain significance. Last evaluated: 2024-03-29. Review status: criteria provided, single submitter. Criteria: Ambry Variant Classification Scheme 2023. Collection method: clinical testing. Allele origin: germline.